The following is an entry in ClinVar:

NC_000005.10:g.(?_218349)_(1297373_?)dup

Genes: EXOC3-AS1 (EXOC3 antisense RNA 1; minus strand), SLC6A19 (solute carrier family 6 member 19; plus strand), SLC9A3 (solute carrier family 9 member A3), TRIP13 (thyroid hormone receptor interactor 13; plus strand), ZDHHC11B (zDHHC palmitoyltransferase 11B (putative); minus strand) and 12 more. Cytogenetic location: 5p15.33.
Variant type: Duplication.
Identifiers: ClinVar variation 830662 (VCV000830662.1).

ClinVar aggregate classification (germline): Uncertain significance (1 of 4 stars; one submission).

Conditions:
Interstitial lung disease 2 (ILD2). Also called: Familial idiopathic pulmonary fibrosis; FIBROCYSTIC PULMONARY DYSPLASIA; FIBROSING ALVEOLITIS, CRYPTOGENIC. Identifiers: Orphanet 2032, Orphanet 79126, MedGen C5561926, MONDO:0800497, OMIM 178500, MONDO:0800029.
Dyskeratosis congenita, autosomal dominant 2. Identifiers: MedGen C3151443, MONDO:0013521, OMIM 613989.

Submission:

Labcorp Genetics (formerly Invitae), Labcorp
Classification: Uncertain significance for Dyskeratosis congenita, autosomal dominant, 2; Idiopathic fibrosing alveolitis, chronic form. Last evaluated: 2019-08-16. Review status: criteria provided, single submitter. Criteria: Invitae Variant Classification Sherloc (09022015). Collection method: clinical testing. Allele origin: germline.
Comment: This variant results in a copy number gain of the genomic region encompassing the full coding sequence of the TERT gene. The boundaries of this event are unknown as they extend beyond the assayed region for this gene and therefore may encompass additional genes. As the precise location of this event is unknown, it may be in tandem or it may be located elsewhere in the genome. This variant has not been reported in the literature in individuals with TERT-related conditions. ClinVar contains an entry for this variant (Variation ID: 584278). In summary, the available evidence is currently insufficient to determine the role of this variant in disease. Therefore, it has been classified as a Variant of Uncertain Significance.